The following is an entry in ClinVar:

ClinVar aggregate classification (germline): Uncertain significance (1 of 4 stars; one submission).

Conditions:
Kleefstra syndrome 1 (KLEFS1). Identifiers: Orphanet 261494, MedGen C0795833, MONDO:0027407, OMIM 610253.

Submission:

Labcorp Genetics (formerly Invitae), Labcorp
Classification: Uncertain significance for Kleefstra syndrome 1. Last evaluated: 2025-12-01. Review status: criteria provided, single submitter. Criteria: Invitae Variant Classification Sherloc (09022015). Collection method: clinical testing. Allele origin: germline.
Comment: This sequence change replaces isoleucine, which is neutral and non-polar, with threonine, which is neutral and polar, at codon 921 of the EHMT1 protein (p.Ile921Thr). This variant is not present in population databases (gnomAD no frequency). This variant has not been reported in the literature in individuals affected with EHMT1-related conditions. Invitae Evidence Modeling of protein sequence and biophysical properties (such as structural, functional, and spatial information, amino acid conservation, physicochemical variation, residue mobility, and thermodynamic stability) indicates that this missense variant is not expected to disrupt EHMT1 protein function with a negative predictive value of 80%. In summary, the available evidence is currently insufficient to determine the role of this variant in disease. Therefore, it has been classified as a Variant of Uncertain Significance.

NM_024757.5(EHMT1):c.2762T>C (p.Ile921Thr)

Gene: EHMT1 (euchromatic histone lysine methyltransferase 1; plus strand). Cytogenetic location: 9q34.3.
Variant type: single nucleotide variant.
Coding change: c.2762T>C on transcript NM_024757.5 (MANE Select); coding-DNA position 2762, T replaced by C.
Protein change: p.Ile921Thr; replaces isoleucine 921 with threonine.
Molecular consequence: missense variant.
Genome position (GRCh38, 1-based): chr9:137,811,510, T>C. VCF-style: chr9-137811510-T-C. GRCh37 (hg19) VCF-style: chr9-140705962-T-C.
Other names: c.2741T>C, p.Ile914Thr (NM_001354263.2); short protein forms I914T, I921T.
Identifiers: ClinVar variation 4806272 (VCV004806272.1).